The following is an entry in ClinVar:

ClinVar aggregate classification (germline): Uncertain significance (1 of 4 stars; one submission).

Conditions:
Fanconi anemia (FA). Also called: Fanconi's anemia. Identifiers: Orphanet 84, MedGen C0015625, MeSH D005199, MONDO:0019391.

Allele frequency attached by ClinVar (database versions not stated): gnomAD 0.00001.

Submission:

Labcorp Genetics (formerly Invitae), Labcorp
Classification: Uncertain significance for Fanconi anemia. Last evaluated: 2023-04-28. Review status: criteria provided, single submitter. Criteria: Invitae Variant Classification Sherloc (09022015). Collection method: clinical testing. Allele origin: germline.
Comment: In summary, the available evidence is currently insufficient to determine the role of this variant in disease. Therefore, it has been classified as a Variant of Uncertain Significance. Advanced modeling of protein sequence and biophysical properties (such as structural, functional, and spatial information, amino acid conservation, physicochemical variation, residue mobility, and thermodynamic stability) performed at Invitae indicates that this missense variant is not expected to disrupt FANCB protein function. ClinVar contains an entry for this variant (Variation ID: 1375241). This variant has not been reported in the literature in individuals affected with FANCB-related conditions. This variant is present in population databases (no rsID available, gnomAD 0.01%). This sequence change replaces proline, which is neutral and non-polar, with threonine, which is neutral and polar, at codon 448 of the FANCB protein (p.Pro448Thr).

NM_001018113.3(FANCB):c.1342C>A (p.Pro448Thr)

Gene: FANCB (FA complementation group B; minus strand). Cytogenetic location: Xp22.2.
Variant type: single nucleotide variant.
Coding change: c.1342C>A on transcript NM_001018113.3 (MANE Select); coding-DNA position 1342, C replaced by A.
Protein change: p.Pro448Thr; replaces proline 448 with threonine.
Molecular consequence: missense variant.
Genome position (GRCh38, 1-based): chrX:14,850,659, G>T on the plus strand (C>A on the coding strand, the complement: FANCB is on the minus strand). VCF-style: chrX-14850659-G-T. GRCh37 (hg19) VCF-style: chrX-14868781-G-T.
Other names: c.1342C>A, p.Pro448Thr (NM_001324162.2, NM_152633.4); short protein forms P448T.
Identifiers: ClinVar variation 1375241 (VCV001375241.4), dbSNP rs867778700, ClinGen allele CA412442306.